The following is an entry in ClinVar:

NM_015909.4(NBAS):c.4072A>T (p.Ser1358Cys)

Gene: NBAS (NBAS subunit of NRZ tethering complex; minus strand). Cytogenetic location: 2p24.3.
Variant type: single nucleotide variant.
Coding change: c.4072A>T on transcript NM_015909.4 (MANE Select); coding-DNA position 4072, A replaced by T.
Protein change: p.Ser1358Cys; replaces serine 1358 with cysteine.
Molecular consequence: missense variant. On other transcripts: non-coding transcript variant (1).
Genome position (GRCh38, 1-based): chr2:15,353,570, T>A on the plus strand (A>T on the coding strand, the complement: NBAS is on the minus strand). VCF-style: chr2-15353570-T-A. GRCh37 (hg19) VCF-style: chr2-15493694-T-A.
Other names: short protein forms S1358C.
Identifiers: ClinVar variation 2041383 (VCV002041383.1), dbSNP rs1197033374, ClinGen allele CA345889396.
Genomic context (GRCh38, chr2:15,353,570, plus strand): 5'-TGGACGTCATACAGGTTAGGATTTCCTTTATCGAAGGACTTACTTCTGTCTGCAGAGAGC[T>A]GCTAGCTGCCAAAAGAAGTTCAATGCTGCTAGGAGGGCAATGTGTCAAAGCAAAAGCCAT-3'
Protein context (NP_056993.2, residues 1348-1368): SSIELLLAAS[Ser1358Cys]SLQTEILYQR

ClinVar aggregate classification (germline): Uncertain significance (1 of 4 stars; one submission).

Allele frequency attached by ClinVar (database versions not stated): gnomAD exomes below 0.00001.
gnomAD v4.1: 2 of 1,614,046 alleles (0.00012%); highest among the groups gnomAD compares: Admixed American, 0.0017%; no homozygotes.

Submission:

Labcorp Genetics (formerly Invitae), Labcorp
Classification: Uncertain significance. Last evaluated: 2022-05-17. Review status: criteria provided, single submitter. Criteria: Invitae Variant Classification Sherloc (09022015). Collection method: clinical testing. Allele origin: germline.
Comment: This sequence change replaces serine, which is neutral and polar, with cysteine, which is neutral and slightly polar, at codon 1358 of the NBAS protein (p.Ser1358Cys). This variant is present in population databases (no rsID available, gnomAD 0.003%). This variant has not been reported in the literature in individuals affected with NBAS-related conditions. Algorithms developed to predict the effect of missense changes on protein structure and function (SIFT, PolyPhen-2, Align-GVGD) all suggest that this variant is likely to be disruptive. In summary, the available evidence is currently insufficient to determine the role of this variant in disease. Therefore, it has been classified as a Variant of Uncertain Significance.